The following is an entry in ClinVar:

ClinVar aggregate classification (germline): Uncertain significance (1 of 4 stars; one submission).

Conditions:
Inborn genetic diseases. Identifiers: MedGen C0950123, MeSH D030342.

Submission:

Ambry Genetics
Classification: Uncertain significance for Inborn genetic diseases. Last evaluated: 2021-08-17. Review status: criteria provided, single submitter. Criteria: Ambry Variant Classification Scheme 2023. Collection method: clinical testing. Allele origin: germline.
Comment: The p.E600D variant (also known as c.1800G>C), located in coding exon 12 of the EPAS1 gene, results from a G to C substitution at nucleotide position 1800. The glutamic acid at codon 600 is replaced by aspartic acid, an amino acid with highly similar properties. This amino acid position is conserved. In addition, this alteration is predicted to be tolerated by in silico analysis. Since supporting evidence is limited at this time, the clinical significance of this alteration remains unclear.

NM_001430.5(EPAS1):c.1800G>C (p.Glu600Asp)

Gene: EPAS1 (endothelial PAS domain protein 1; plus strand). Cytogenetic location: 2p21.
Variant type: single nucleotide variant.
Coding change: c.1800G>C on transcript NM_001430.5 (MANE Select); coding-DNA position 1800, G replaced by C.
Protein change: p.Glu600Asp; replaces glutamic acid 600 with aspartic acid.
Molecular consequence: missense variant.
Genome position (GRCh38, 1-based): chr2:46,380,472, G>C. VCF-style: chr2-46380472-G-C. GRCh37 (hg19) VCF-style: chr2-46607611-G-C.
Other names: short protein forms E600D.
Identifiers: ClinVar variation 1780395 (VCV001780395.2), dbSNP rs2103672940, ClinGen allele CA346704911.